The following is an entry in ClinVar:

ClinVar aggregate classification (germline): Pathogenic/Likely pathogenic. Review status: criteria provided, multiple submitters, no conflicts (2 of 4 stars). 2 submissions from 2 submitters: Pathogenic (1); Likely pathogenic (1). Last evaluated 2022-09-08.

Conditions:
CWC27-related disorder. Also called: CWC27-related condition.

Allele frequency attached by ClinVar (database versions not stated): gnomAD exomes below 0.00001; ExAC 0.00001; gnomAD 0.00001; TOPMed 0.00001.
gnomAD v4.1: 5 of 1,611,128 alleles (0.00031%); highest among the groups gnomAD compares: Non-Finnish European, 0.00042%; no homozygotes.

Submissions (2):

Blueprint Genetics
Classification: Likely pathogenic for CWC27-related disorders. Last evaluated: 2022-09-08. Review status: criteria provided, single submitter. Criteria: ACMG Guidelines, 2015. Collection method: clinical testing. Allele origin: germline. Affected: yes. Observed: 3 variant alleles.

Labcorp Genetics (formerly Invitae), Labcorp
Classification: Pathogenic. Last evaluated: 2022-02-11. Review status: criteria provided, single submitter. Criteria: Invitae Variant Classification Sherloc (09022015). Collection method: clinical testing. Allele origin: germline.
Comment: This variant has not been reported in the literature in individuals affected with CWC27-related conditions. For these reasons, this variant has been classified as Pathogenic. The frequency data for this variant in the population databases is considered unreliable, as metrics indicate poor data quality at this position in the gnomAD database. This sequence change creates a premature translational stop signal (p.Gln374*) in the CWC27 gene. It is expected to result in an absent or disrupted protein product. Loss-of-function variants in CWC27 are known to be pathogenic (PMID: 28285769).

Literature cited by the submitters: PubMed 28285769 (cited by Labcorp Genetics (formerly Invitae), Labcorp).

NM_005869.4(CWC27):c.1120C>T (p.Gln374Ter)

Gene: CWC27 (CWC27 spliceosome associated cyclophilin; plus strand). Cytogenetic location: 5q12.3.
Variant type: single nucleotide variant.
Coding change: c.1120C>T on transcript NM_005869.4 (MANE Select); coding-DNA position 1120, C replaced by T.
Protein change: p.Gln374Ter; replaces glutamine 374 with a stop codon.
Molecular consequence: nonsense.
Genome position (GRCh38, 1-based): chr5:64,971,780, C>T. VCF-style: chr5-64971780-C-T. GRCh37 (hg19) VCF-style: chr5-64267607-C-T.
Other names: c.1120C>T, p.Gln374Ter (NM_001297644.1); short protein forms Q374*.
Identifiers: ClinVar variation 2146929 (VCV002146929.5), dbSNP rs752016886, ClinGen allele CA3282223.